The following is an entry in ClinVar:

NM_000334.4(SCN4A):c.2890G>A (p.Val964Ile)

Genes: GH-LCR (growth hormone locus control region; plus strand), SCN4A (sodium voltage-gated channel alpha subunit 4; minus strand). Cytogenetic location: 17q23.3.
Variant type: single nucleotide variant.
Coding change: c.2890G>A on transcript NM_000334.4 (MANE Select); coding-DNA position 2890, G replaced by A.
Protein change: p.Val964Ile; replaces valine 964 with isoleucine.
Molecular consequence: missense variant.
Genome position (GRCh38, 1-based): chr17:63,949,492, C>T on the plus strand (G>A on the coding strand, the complement: SCN4A is on the minus strand). VCF-style: chr17-63949492-C-T. GRCh37 (hg19) VCF-style: chr17-62026852-C-T.
Other names: p.Val964Ile; short protein forms V964I.
Identifiers: ClinVar variation 432019 (VCV000432019.44), dbSNP rs200947169, ClinGen allele CA8709453.

ClinVar aggregate classification (germline): Conflicting classifications of pathogenicity. Review status: criteria provided, conflicting classifications (1 of 4 stars). 11 submissions from 7 submitters: Uncertain significance (2); Benign (6); Likely benign (3). Last evaluated 2026-05-01.

Conditions:
Inborn genetic diseases. Identifiers: MedGen C0950123, MeSH D030342.
Paramyotonia congenita of Von Eulenburg. Also called: Paramyotonia Congenita; Eulenburg disease; Myotonia congenita intermittens; Von Eulenburg paramyotonia congenita; PARALYSIS PERIODICA PARAMYOTONICA. Identifiers: Orphanet 684, MedGen C0221055, MONDO:0008195, OMIM 168300. Disease mechanism: loss of function.
Potassium-aggravated myotonia. Also called: MYOTONIA CONGENITA, ACETAZOLAMIDE-RESPONSIVE; MYOTONIA CONGENITA, ATYPICAL; SODIUM CHANNEL MUSCLE DISEASE; Myotonia congenita, atypical, acetazolamide-responsive. Identifiers: Orphanet 612, Orphanet 99734, Orphanet 99735, Orphanet 99736, MedGen C2931826, MONDO:0018959, OMIM 608390.
Hyperkalemic periodic paralysis. Also called: Familial hyperkalemic periodic paralysis; Gamstorp disease. Identifiers: Orphanet 682, MedGen C0238357, MONDO:0008224, OMIM 170500, HP:0007215.
Congenital myasthenic syndrome 16. Identifiers: Orphanet 590, MedGen C3280112, MONDO:0013620, OMIM 614198.
Hypokalemic periodic paralysis, type 2 (HOKPP2). Identifiers: Orphanet 681, MedGen C2750061, MONDO:0013234, OMIM 613345.

Allele frequency attached by ClinVar (database versions not stated): ESP Exome Variant Server 0.00041; gnomAD 0.00117 and 0.00107; 1000 Genomes Project 0.00020; 1000 Genomes Project 30x 0.00031; ExAC 0.00104; gnomAD exomes 0.00071 and 0.00115; TOPMed 0.00057.

Submissions (11):

CeGaT Center for Human Genetics Tuebingen
Classification: Likely benign. Last evaluated: 2026-05-01. Review status: criteria provided, single submitter. Criteria: CeGaT Center For Human Genetics Tuebingen Variant Classification Criteria Version 2. Collection method: clinical testing. Allele origin: germline. Affected: yes. Observed: 5 variant alleles.
Comment: SCN4A: BP4, BS1

Labcorp Genetics (formerly Invitae), Labcorp
Classification: Benign for Hyperkalemic periodic paralysis. Last evaluated: 2026-01-09. Review status: criteria provided, single submitter. Criteria: Invitae Variant Classification Sherloc (09022015). Collection method: clinical testing. Allele origin: germline.

Mayo Clinic Laboratories, Mayo Clinic
Classification: Benign. Last evaluated: 2025-07-29. Review status: criteria provided, single submitter. Criteria: ACMG Guidelines, 2015. Collection method: clinical testing. Allele origin: germline. Observed: 3 variant alleles.

Blueprint Genetics
Classification: Likely benign. Last evaluated: 2024-11-22. Review status: criteria provided, single submitter. Criteria: ACMG Guidelines, 2015. Collection method: clinical testing. Allele origin: germline.

Ambry Genetics
Classification: Uncertain significance for Inborn genetic diseases. Last evaluated: 2024-06-26. Review status: criteria provided, single submitter. Criteria: Ambry Variant Classification Scheme 2023. Collection method: clinical testing. Allele origin: germline.

GeneDx
Classification: Likely benign. Last evaluated: 2020-11-16. Review status: criteria provided, single submitter. Criteria: GeneDx Variant Classification Process June 2021. Collection method: clinical testing. Allele origin: germline. Affected: yes.

Illumina Laboratory Services, Illumina
Classification: Benign for Hypokalemic periodic paralysis, type 2. Last evaluated: 2018-01-13. Review status: criteria provided, single submitter. Criteria: ICSL Variant Classification Criteria 13 December 2019. Collection method: clinical testing. Allele origin: germline.
Comment: This variant was observed in the ICSL laboratory as part of a predisposition screen in an ostensibly healthy population. It had not been previously curated by ICSL or reported in the Human Gene Mutation Database (HGMD: prior to June 1st, 2018), and was therefore a candidate for classification through an automated scoring system. Utilizing variant allele frequency, disease prevalence and penetrance estimates, and inheritance mode, an automated score was calculated to assess if this variant is too frequent to cause the disease. Based on the score and internal cut-off values, a variant classified as benign is not then subjected to further curation. The score for this variant resulted in a classification of benign for this disease.

Illumina Laboratory Services, Illumina
Classification: Benign for Hyperkalemic periodic paralysis. Last evaluated: 2018-01-13. Review status: criteria provided, single submitter. Criteria: ICSL Variant Classification Criteria 13 December 2019. Collection method: clinical testing. Allele origin: germline.
Comment: the same text as in the submission from Illumina Laboratory Services, Illumina above.

Illumina Laboratory Services, Illumina
Classification: Benign for Potassium-aggravated myotonia. Last evaluated: 2018-01-13. Review status: criteria provided, single submitter. Criteria: ICSL Variant Classification Criteria 13 December 2019. Collection method: clinical testing. Allele origin: germline.
Comment: the same text as in the submission from Illumina Laboratory Services, Illumina above.

Illumina Laboratory Services, Illumina
Classification: Benign for Paramyotonia congenita of Von Eulenburg. Last evaluated: 2018-01-13. Review status: criteria provided, single submitter. Criteria: ICSL Variant Classification Criteria 13 December 2019. Collection method: clinical testing. Allele origin: germline.
Comment: the same text as in the submission from Illumina Laboratory Services, Illumina above.

Illumina Laboratory Services, Illumina
Classification: Uncertain significance for Congenital myasthenic syndrome 16. Last evaluated: 2018-01-13. Review status: criteria provided, single submitter. Criteria: ICSL Variant Classification Criteria 13 December 2019. Collection method: clinical testing. Allele origin: germline.